The following is an entry in ClinVar:

NM_201384.3(PLEC):c.6326G>A (p.Arg2109Gln)

Gene: PLEC (plectin; minus strand). Cytogenetic location: 8q24.3.
Variant type: single nucleotide variant.
Coding change: c.6326G>A on transcript NM_201384.3 (MANE Select); coding-DNA position 6326, G replaced by A.
Protein change: p.Arg2109Gln; replaces arginine 2109 with glutamine.
Molecular consequence: missense variant.
Genome position (GRCh38, 1-based): chr8:143,923,603, C>T on the plus strand (G>A on the coding strand, the complement: PLEC is on the minus strand). VCF-style: chr8-143923603-C-T. GRCh37 (hg19) VCF-style: chr8-144997771-C-T.
Other names: c.6407G>A, p.Arg2136Gln (NM_000445.5); c.6284G>A, p.Arg2095Gln (NM_201378.4); c.6260G>A, p.Arg2087Gln (NM_201379.3); c.6737G>A, p.Arg2246Gln (NM_201380.4); c.6230G>A, p.Arg2077Gln (NM_201381.3); c.6326G>A, p.Arg2109Gln (NM_201382.4); c.6338G>A, p.Arg2113Gln (NM_201383.3); c.6407G>A (NM_000445.3); short protein forms R2113Q, R2087Q, R2136Q, R2077Q, R2095Q, R2109Q, R2246Q.
Identifiers: ClinVar variation 1366118 (VCV001366118.11), dbSNP rs373775314, ClinGen allele CA4926035.

ClinVar aggregate classification (germline): Uncertain significance. Review status: criteria provided, multiple submitters, no conflicts (2 of 4 stars). 3 submissions from 3 submitters: Uncertain significance (3). Last evaluated 2025-06-17.

Conditions:
Epidermolysis bullosa simplex 5C, with pyloric atresia (EBS5C). Also called: PLEC-Related Epidermolysis Bullosa with Pyloric Atresia; Epidermolysis bullosa simplex with pyloric atresia; PLEC1-Related Epidermolysis Bullosa with Pyloric Atresia. Identifiers: Orphanet 158684, MedGen C2677349, MONDO:0012807, OMIM 612138.
Epidermolysis bullosa simplex 5B, with muscular dystrophy (EBS5B). Also called: EPIDERMOLYSIS BULLOSA SIMPLEX AND LIMB-GIRDLE MUSCULAR DYSTROPHY; Epidermolysis bullosa simplex with muscular dystrophy. Identifiers: Orphanet 257, MedGen C2931072, MONDO:0009181, OMIM 226670.
Epidermolysis bullosa simplex, Ogna type (EBS5A). Also called: Pidermolysis bullosa simplex 5A, Ogna type; EPIDERMOLYSIS BULLOSA SIMPLEX 5A, OGNA TYPE. Identifiers: Orphanet 79401, MedGen C0432317, MONDO:0007555, OMIM 131950.
Autosomal recessive limb-girdle muscular dystrophy type 2Q (LGMDR17). Also called: MUSCULAR DYSTROPHY, LIMB-GIRDLE, AUTOSOMAL RECESSIVE 17. Identifiers: Orphanet 254361, MedGen C3150989, MONDO:0013390, OMIM 613723.
Epidermolysis bullosa simplex with nail dystrophy (EBS5D). Identifiers: MedGen C4225309, MONDO:0014661, OMIM 616487.
Inborn genetic diseases. Identifiers: MedGen C0950123, MeSH D030342.

Allele frequency attached by ClinVar (database versions not stated): gnomAD 0.00003 and 0.00004; TOPMed 0.00003; gnomAD exomes 0.00004; ExAC 0.00008; ESP Exome Variant Server 0.00009.
gnomAD v4.1: 50 of 1,593,354 alleles (0.0031%); highest among the groups gnomAD compares: Admixed American, 0.005%; no homozygotes.

Submissions (3):

Labcorp Genetics (formerly Invitae), Labcorp
Classification: Uncertain significance for Autosomal recessive limb-girdle muscular dystrophy type 2Q; Epidermolysis bullosa simplex, Ogna type; Epidermolysis bullosa simplex with nail dystrophy; Epidermolysis bullosa simplex 5C, with pyloric atresia; Epidermolysis bullosa simplex 5B, with muscular dystrophy. Last evaluated: 2025-06-17. Review status: criteria provided, single submitter. Criteria: Invitae Variant Classification Sherloc (09022015). Collection method: clinical testing. Allele origin: germline.
Comment: This sequence change replaces arginine, which is basic and polar, with glutamine, which is neutral and polar, at codon 2136 of the PLEC protein (p.Arg2136Gln). This variant is present in population databases (rs373775314, gnomAD 0.01%). This variant has not been reported in the literature in individuals affected with PLEC-related conditions. ClinVar contains an entry for this variant (Variation ID: 1366118). An algorithm developed to predict the effect of missense changes on protein structure and function outputs the following: PolyPhen-2: "Benign". The glutamine amino acid residue is found in multiple mammalian species, which suggests that this missense change does not adversely affect protein function. In summary, the available evidence is currently insufficient to determine the role of this variant in disease. Therefore, it has been classified as a Variant of Uncertain Significance.

Ambry Genetics
Classification: Uncertain significance for Inborn genetic diseases. Last evaluated: 2025-01-16. Review status: criteria provided, single submitter. Criteria: Ambry Variant Classification Scheme 2023. Collection method: clinical testing. Allele origin: germline.

Revvity Omics, Revvity
Classification: Uncertain significance. Last evaluated: 2021-02-12. Review status: criteria provided, single submitter. Criteria: ACMG Guidelines, 2015. Collection method: clinical testing. Allele origin: germline.